The following is an entry in ClinVar:

NM_004304.5(ALK):c.1155-3C>T

Gene: ALK (ALK receptor tyrosine kinase; minus strand). Cytogenetic location: 2p23.2.
Variant type: single nucleotide variant.
Coding change: c.1155-3C>T on transcript NM_004304.5 (MANE Select); 3 bases into the intron before coding-DNA position 1155, C replaced by T.
Molecular consequence: intron variant.
Genome position (GRCh38, 1-based): chr2:29,383,862, G>A on the plus strand (C>T on the coding strand, the complement: ALK is on the minus strand). VCF-style: chr2-29383862-G-A. GRCh37 (hg19) VCF-style: chr2-29606728-G-A.
Other names: c.1155-3C>T (NM_004304.4).
Identifiers: ClinVar variation 3611132 (VCV003611132.3).

ClinVar aggregate classification (germline): Uncertain significance. Review status: criteria provided, multiple submitters, no conflicts (2 of 4 stars). 2 submissions from 2 submitters: Uncertain significance (2). Last evaluated 2025-11-26.

Conditions:
Hereditary cancer-predisposing syndrome. Also called: Neoplastic Syndromes, Hereditary; Tumor predisposition; Hereditary Cancer Syndrome; Hereditary neoplastic syndrome. Identifiers: Orphanet 140162, MedGen C0027672, MeSH D009386, MONDO:0015356.
Neuroblastoma, susceptibility to, 3. Also called: ALK-Related Neuroblastic Tumor Susceptibility. Identifiers: Orphanet 635, MedGen C2751681, MONDO:0013083, OMIM 613014.

gnomAD v4.1: 1 of 1,613,924 alleles (0.000062%); highest among the groups gnomAD compares: East Asian, 0.0022%; no homozygotes.

Submissions (2):

Ambry Genetics
Classification: Uncertain significance for Hereditary cancer-predisposing syndrome. Last evaluated: 2025-11-26. Review status: criteria provided, single submitter. Criteria: Ambry Variant Classification Scheme 2023. Collection method: clinical testing. Allele origin: germline.
Comment: The c.1155-3C>T intronic variant results from a C to T substitution 3 nucleotides upstream from coding exon 5 in the ALK gene. This nucleotide position is highly conserved in available vertebrate species. In silico splice site analysis predicts that this alteration will not have any significant effect on splicing. Based on the available evidence, the clinical significance of this variant remains unclear.

Labcorp Genetics (formerly Invitae), Labcorp
Classification: Uncertain significance for Neuroblastoma, susceptibility to, 3. Last evaluated: 2024-04-25. Review status: criteria provided, single submitter. Criteria: Invitae Variant Classification Sherloc (09022015). Collection method: clinical testing. Allele origin: germline.
Comment: This sequence change falls in intron 4 of the ALK gene. It does not directly change the encoded amino acid sequence of the ALK protein. It affects a nucleotide within the consensus splice site. This variant is present in population databases (no rsID available, gnomAD 0.006%). This variant has not been reported in the literature in individuals affected with ALK-related conditions. Variants that disrupt the consensus splice site are a relatively common cause of aberrant splicing (PMID: 17576681, 9536098). Algorithms developed to predict the effect of sequence changes on RNA splicing suggest that this variant is not likely to affect RNA splicing. In summary, the available evidence is currently insufficient to determine the role of this variant in disease. Therefore, it has been classified as a Variant of Uncertain Significance.

Literature cited by the submitters: PubMed 17576681 (cited by Labcorp Genetics (formerly Invitae), Labcorp); PubMed 9536098 (cited by Labcorp Genetics (formerly Invitae), Labcorp).